The following is an entry in ClinVar:

ClinVar aggregate classification (germline): Conflicting classifications of pathogenicity. Review status: criteria provided, conflicting classifications (1 of 4 stars). 2 submissions from 2 submitters: Pathogenic (1); Uncertain significance (1). Last evaluated 2024-03-13.

Conditions:
NF1-related disorder. Also called: NF1-related condition. Identifiers: MedGen CN379171.
Neurofibromatosis, type 1 (NF1). Also called: VON RECKLINGHAUSEN DISEASE; NEUROFIBROMATOSIS, TYPE I, SOMATIC; Peripheral type neurofibromatosis; Neurofibromatosis, type I. Identifiers: Orphanet 636, MedGen C0027831, MONDO:0018975, OMIM 162200. Disease mechanism: loss of function.

Submissions (2):

Labcorp Genetics (formerly Invitae), Labcorp
Classification: Pathogenic for Neurofibromatosis, type 1. Last evaluated: 2024-03-13. Review status: criteria provided, single submitter. Criteria: Invitae Variant Classification Sherloc (09022015). Collection method: clinical testing. Allele origin: germline.
Comment: This variant, c.4730_4744del, results in the deletion of 5 amino acid(s) of the NF1 protein (p.Thr1577_Gly1581del), but otherwise preserves the integrity of the reading frame. This variant is not present in population databases (gnomAD no frequency). This variant has not been reported in the literature in individuals affected with NF1-related conditions. ClinVar contains an entry for this variant (Variation ID: 2637222). This variant disrupts a region of the NF1 protein in which other variant(s) (p.Ser1578Tyr)) have been determined to be pathogenic (PMID: 35885913; Invitae). This suggests that this is a clinically significant region of the protein, and that variants that disrupt it are likely to be disease-causing. For these reasons, this variant has been classified as Pathogenic.

PreventionGenetics, part of Exact Sciences
Classification: Uncertain significance for NF1-related condition. Last evaluated: 2022-09-23. Review status: criteria provided, single submitter. Criteria: ACMG Guidelines, 2015. Collection method: clinical testing. Allele origin: germline.
Comment: The NF1 c.4793_4807del15 variant is predicted to result in an in-frame deletion (p.Thr1598_Gly1602del). To our knowledge, this variant has not been reported in the literature or in a large population database, indicating this variant is rare. At this time, the clinical significance of this variant is uncertain due to the absence of conclusive functional and genetic evidence.

Literature cited by the submitters: PubMed 35885913 (cited by Labcorp Genetics (formerly Invitae), Labcorp).

NM_001042492.3(NF1):c.4793_4807del (p.Thr1598_Gly1602del)

Gene: NF1 (neurofibromin 1; plus strand). Cytogenetic location: 17q11.2.
Variant type: Deletion.
Coding change: c.4793_4807del on transcript NM_001042492.3 (MANE Select); coding-DNA positions 4793 to 4807, 15 bases deleted (CTTCCAAAGCTGGGA).
Protein change: p.Thr1598_Gly1602del.
Molecular consequence: inframe deletion. On other transcripts: inframe indel (2).
Genome position (GRCh38, 1-based): chr17:31,265,297-31,265,311, CTTCCAAAGCTGGGA deleted; deleting any 15 consecutive bases within chr17:31,265,288-31,265,311 gives the same sequence; the c. name uses the placement nearest the transcript's 3' end. VCF-style (leftmost placement, unchanged base first): chr17-31265287-CAAGCTGGGACTTCCA-C. GRCh37 (hg19) VCF-style: chr17-29592305-CAAGCTGGGACTTCCA-C.
Other names: c.4793_4807del15 (NM_001042492.2); c.4730_4744delCTTCCAAAGCTGGGA, p.Thr1577_Gly1581del (NM_000267.4).
Identifiers: ClinVar variation 2637222 (VCV002637222.3), dbSNP rs2508445372, ClinGen allele CA2695201278.